The following is an entry in ClinVar:

NM_005263.5(GFI1):c.880G>C (p.Gly294Arg)

Gene: GFI1 (growth factor independent 1 transcriptional repressor; minus strand). Cytogenetic location: 1p22.1.
Variant type: single nucleotide variant.
Coding change: c.880G>C on transcript NM_005263.5 (MANE Select); coding-DNA position 880, G replaced by C.
Protein change: p.Gly294Arg; replaces glycine 294 with arginine.
Molecular consequence: missense variant.
Genome position (GRCh38, 1-based): chr1:92,480,392, C>G on the plus strand (G>C on the coding strand, the complement: GFI1 is on the minus strand). VCF-style: chr1-92480392-C-G. GRCh37 (hg19) VCF-style: chr1-92945949-C-G.
Other names: c.880G>C, p.Gly294Arg (NM_001127215.3, NM_001127216.3); short protein forms G294R.
Identifiers: ClinVar variation 4263258 (VCV004263258.2).
Genomic context (GRCh38, chr1:92,480,392, plus strand): 5'-TGCGCCCCGCGCTTACCTGCGAGTGCACGGCTTTGTGCTGCTCCAGGCTCACCGCGTGCC[C>G]GAAGGTCTTGCCGCACATCTCGCAGGCAAAGGGTCTGGTACCGCTGTGGGACCTGCGCAC-3'
Protein context (NP_005254.2, residues 284-304): FACEMCGKTF[Gly294Arg]HAVSLEQHKA

ClinVar aggregate classification (germline): Uncertain significance (1 of 4 stars; one submission).

gnomAD v4.1: 2 of 1,550,342 alleles (0.00013%); highest among the groups gnomAD compares: Non-Finnish European, 0.00017%; no homozygotes.

Submission:

Ambry Genetics
Classification: Uncertain significance. Last evaluated: 2026-01-15. Review status: criteria provided, single submitter. Criteria: Ambry Variant Classification Scheme 2023. Collection method: clinical testing. Allele origin: germline.
Comment: The p.G294R variant (also known as c.880G>C), located in coding exon 4 of the GFI1 gene, results from a G to C substitution at nucleotide position 880. The glycine at codon 294 is replaced by arginine, an amino acid with dissimilar properties. This amino acid position is conserved. In addition, this alteration is predicted to be tolerated by in silico analysis. Based on the available evidence, the clinical significance of this variant remains unclear.